The following is an entry in ClinVar:

ClinVar aggregate classification (germline): Pathogenic (1 of 4 stars; one submission).

Conditions:
Hereditary spastic paraplegia 11. Also called: Spastic Paraplegia 11; Nakamura Osame syndrome; Autosomal recessive hereditary spastic paraplegia, mental impairment, and thin corpus callosum; SPASTIC PARAPLEGIA, AUTOSOMAL RECESSIVE, COMPLICATED, WITH THIN CORPUS CALLOSUM; SPASTIC PARAPLEGIA, AUTOSOMAL RECESSIVE, WITH MENTAL IMPAIRMENT AND THIN CORPUS CALLOSUM; Spastic paraplegia, mental retardation and thin corpus callosum. Identifiers: Orphanet 2822, MedGen C1858479, MONDO:0011445, OMIM 604360.

Submission:

Labcorp Genetics (formerly Invitae), Labcorp
Classification: Pathogenic for Hereditary spastic paraplegia 11. Last evaluated: 2023-04-11. Review status: criteria provided, single submitter. Criteria: Invitae Variant Classification Sherloc (09022015). Collection method: clinical testing. Allele origin: germline.
Comment: This sequence change creates a premature translational stop signal (p.Ile2023Asnfs*8) in the SPG11 gene. It is expected to result in an absent or disrupted protein product. Loss-of-function variants in SPG11 are known to be pathogenic (PMID: 19105190, 20110243, 22154821, 26556829). For these reasons, this variant has been classified as Pathogenic. This variant has not been reported in the literature in individuals affected with SPG11-related conditions. This variant is present in population databases (rs763855058, gnomAD 0.002%).

Literature cited by the submitters: PubMed 19105190; PubMed 20110243; PubMed 22154821; PubMed 26556829.

NM_025137.4(SPG11):c.6067dup (p.Ile2023fs)

Gene: SPG11 (SPG11 vesicle trafficking associated, spatacsin; minus strand). Cytogenetic location: 15q21.1.
Variant type: Duplication.
Coding change: c.6067dup on transcript NM_025137.4 (MANE Select); coding-DNA position 6067, one base duplicated (A; older notation c.6067dupA).
Protein change: p.Ile2023fs; shifts the reading frame from isoleucine 2023.
Molecular consequence: frameshift variant. On other transcripts: intron variant (1).
Genome position (GRCh38, 1-based): chr15:44,573,685, T duplicated on the plus strand (A on the coding strand, the reverse complement: SPG11 is on the minus strand); the first of 4 consecutive T bases (chr15:44,573,685-44,573,688); duplicating any one gives the same sequence. VCF-style (leftmost placement, unchanged base first): chr15-44573684-A-AT. GRCh37 (hg19) VCF-style: chr15-44865882-A-AT.
Other names: c.5923dup, p.Ile1975fs (NM_001411132.1); c.5867-865dup (NM_001160227.2); short protein forms I1975fs, I2023fs.
Identifiers: ClinVar variation 2731439 (VCV002731439.3), dbSNP rs763855058, ClinGen allele CA7534266.